The following is an entry in ClinVar:

ClinVar aggregate classification (germline): Uncertain significance (1 of 4 stars; one submission).

Conditions:
Hereditary cancer-predisposing syndrome. Also called: Tumor predisposition; Neoplastic Syndromes, Hereditary; Hereditary neoplastic syndrome; Hereditary Cancer Syndrome. Identifiers: Orphanet 140162, MedGen C0027672, MeSH D009386, MONDO:0015356.

Submission:

Ambry Genetics
Classification: Uncertain significance for Hereditary cancer-predisposing syndrome. Last evaluated: 2024-07-07. Review status: criteria provided, single submitter. Criteria: Ambry Variant Classification Scheme 2023. Collection method: clinical testing. Allele origin: germline.
Comment: The p.K51M variant (also known as c.152A>T), located in coding exon 2 of the SDHB gene, results from an A to T substitution at nucleotide position 152. The lysine at codon 51 is replaced by methionine, an amino acid with similar properties. This amino acid position is conserved. In addition, the in silico prediction for this alteration is inconclusive. Based on the available evidence, the clinical significance of this variant remains unclear.

NM_003000.3(SDHB):c.152A>T (p.Lys51Met)

Gene: SDHB (succinate dehydrogenase complex iron sulfur subunit B; minus strand). Cytogenetic location: 1p36.13.
Variant type: single nucleotide variant.
Coding change: c.152A>T on transcript NM_003000.3 (MANE Select); coding-DNA position 152, A replaced by T.
Protein change: p.Lys51Met; replaces lysine 51 with methionine.
Molecular consequence: missense variant.
Genome position (GRCh38, 1-based): chr1:17,044,809, T>A on the plus strand (A>T on the coding strand, the complement: SDHB is on the minus strand). VCF-style: chr1-17044809-T-A. GRCh37 (hg19) VCF-style: chr1-17371304-T-A.
Other names: c.152A>T, p.Lys51Met (NM_001407361.1); short protein forms K51M.
Identifiers: ClinVar variation 3438757 (VCV003438757.1).